The following is an entry in ClinVar:

NM_002230.4(JUP):c.493A>G (p.Ile165Val)

Gene: JUP (junction plakoglobin; minus strand). Cytogenetic location: 17q21.2.
Variant type: single nucleotide variant.
Coding change: c.493A>G on transcript NM_002230.4 (MANE Select); coding-DNA position 493, A replaced by G.
Protein change: p.Ile165Val; replaces isoleucine 165 with valine.
Molecular consequence: missense variant.
Genome position (GRCh38, 1-based): chr17:41,769,183, T>C on the plus strand (A>G on the coding strand, the complement: JUP is on the minus strand). VCF-style: chr17-41769183-T-C. GRCh37 (hg19) VCF-style: chr17-39925435-T-C.
Other names: c.493A>G (NM_002230.2); c.493A>G, p.Ile165Val (NM_001352773.2, NM_001352774.2, NM_001352775.2 and 3 more transcripts); short protein forms I165V.
Identifiers: ClinVar variation 1018467 (VCV001018467.8), dbSNP rs782461741, ClinGen allele CA8565457.

ClinVar aggregate classification (germline): Conflicting classifications of pathogenicity. Review status: criteria provided, conflicting classifications (1 of 4 stars). 3 submissions from 3 submitters: Uncertain significance (2); Likely benign (1). Last evaluated 2026-06-05.

Conditions:
Cardiovascular phenotype. Identifiers: MedGen CN230736.
Naxos disease (NXD). Also called: KERATOSIS PALMOPLANTARIS WITH ARRHYTHMOGENIC CARDIOMYOPATHY; MAL DE NAXOS; CARDIOMYOPATHY, ARRHYTHMOGENIC RIGHT VENTRICULAR, WITH SKIN, HAIR, AND NAIL ABNORMALITIES; PALMOPLANTAR KERATODERMA WITH ARRHYTHMOGENIC RIGHT VENTRICULAR CARDIOMYOPATHY AND WOOLLY HAIR; WOOLLY HAIR, PALMOPLANTAR KERATODERMA, AND CARDIAC ABNORMALITIES. Identifiers: Orphanet 34217, MedGen C1832600, MONDO:0011017, OMIM 601214.
Arrhythmogenic right ventricular dysplasia 12. Also called: ARRHYTHMOGENIC RIGHT VENTRICULAR DYSPLASIA, FAMILIAL, 12. Identifiers: MedGen C1969081, MONDO:0012684, OMIM 611528.

Allele frequency attached by ClinVar (database versions not stated): ExAC 0.00001; TOPMed 0.00005; gnomAD exomes below 0.00001; gnomAD 0.00004 and 0.00003.
gnomAD v4.1: 7 of 1,601,682 alleles (0.00044%); highest among the groups gnomAD compares: Admixed American, 0.0067%; no homozygotes.

Submissions (3):

Ambry Genetics
Classification: Likely benign for Cardiovascular phenotype. Last evaluated: 2026-06-05. Review status: criteria provided, single submitter. Criteria: Ambry Variant Classification Scheme 2023. Collection method: clinical testing. Allele origin: germline.

Labcorp Genetics (formerly Invitae), Labcorp
Classification: Uncertain significance for Arrhythmogenic right ventricular dysplasia 12; Naxos disease. Last evaluated: 2025-05-26. Review status: criteria provided, single submitter. Criteria: Invitae Variant Classification Sherloc (09022015). Collection method: clinical testing. Allele origin: germline.
Comment: This sequence change replaces isoleucine, which is neutral and non-polar, with valine, which is neutral and non-polar, at codon 165 of the JUP protein (p.Ile165Val). This variant is present in population databases (rs782461741, gnomAD 0.007%). This missense change has been observed in individual(s) with sudden death in epilepsy (PMID: 29619247). ClinVar contains an entry for this variant (Variation ID: 1018467). An algorithm developed to predict the effect of missense changes on protein structure and function (PolyPhen-2) suggests that this variant is likely to be tolerated. In summary, the available evidence is currently insufficient to determine the role of this variant in disease. Therefore, it has been classified as a Variant of Uncertain Significance.

Fulgent Genetics
Classification: Uncertain significance for Naxos disease; Arrhythmogenic right ventricular dysplasia 12. Last evaluated: 2021-09-02. Review status: criteria provided, single submitter. Criteria: ACMG Guidelines, 2015. Collection method: clinical testing. Allele origin: unknown.

Literature cited by the submitters: PubMed 29619247 (cited by Labcorp Genetics (formerly Invitae), Labcorp).